The following is an entry in ClinVar:

NM_000516.7(GNAS):c.53C>T (p.Ala18Val)

Gene: GNAS (GNAS complex locus; plus strand). Cytogenetic location: 20q13.32.
Variant type: single nucleotide variant.
Coding change: c.53C>T on transcript NM_000516.7 (MANE Select); coding-DNA position 53, C replaced by T.
Protein change: p.Ala18Val; replaces alanine 18 with valine.
Molecular consequence: missense variant. On other transcripts: intron variant (8).
Genome position (GRCh38, 1-based): chr20:58,891,779, C>T. VCF-style: chr20-58891779-C-T. GRCh37 (hg19) VCF-style: chr20-57466834-C-T.
Other names: NC_000020.10:g.57466834C>T; c.53C>T, p.Ala18Val (NM_001077488.5, NM_001077489.4, NM_001309842.2 and 1 more transcripts); c.*43-3833C>T (NM_016592.5); c.44-3833C>T (NM_001410912.1); c.-38-3833C>T (NM_001309861.2); c.*1-3833C>T (NM_001077490.3); c.2069-3833C>T (NM_080425.4, NM_001410913.1); c.*159-3833C>T (NM_001309883.1); and 1 more; short protein forms A18V.
Identifiers: ClinVar variation 3356373 (VCV003356373.2).

ClinVar aggregate classification (germline): Uncertain significance (0 of 4 stars; one submission).

Conditions:
GNAS-related disorder. Identifiers: MedGen CN380105.

gnomAD v4.1: 10 of 1,281,240 alleles (0.00078%); highest among the groups gnomAD compares: South Asian, 0.0013%; no homozygotes.

Submissions (2):

PreventionGenetics, part of Exact Sciences
Classification: Uncertain significance for GNAS-related condition. Last evaluated: 2024-07-24. Review status: no assertion criteria provided. Collection method: clinical testing. Allele origin: germline.
Comment: The GNAS c.53C>T variant is predicted to result in the amino acid substitution p.Ala18Val. To our knowledge, this variant has not been reported in the literature or in a large population database, indicating this variant is rare. At this time, the clinical significance of this variant is uncertain due to the absence of conclusive functional and genetic evidence.

Dr. Peter K. Rogan Lab, Western University
No classification provided (evidence only). Condition: Nonpapillary renal cell carcinoma. Review status: no classification provided. Collection method: in vitro. Allele origin: not applicable. Functional consequence: retained intron. Not counted in ClinVar's aggregate classification.